The following is an entry in ClinVar:

NM_000285.4(PEPD):c.122A>G (p.Gln41Arg)

Gene: PEPD (peptidase D; minus strand). Cytogenetic location: 19q13.11.
Variant type: single nucleotide variant.
Coding change: c.122A>G on transcript NM_000285.4 (MANE Select); coding-DNA position 122, A replaced by G.
Protein change: p.Gln41Arg; replaces glutamine 41 with arginine.
Molecular consequence: missense variant.
Genome position (GRCh38, 1-based): chr19:33,512,672, T>C on the plus strand (A>G on the coding strand, the complement: PEPD is on the minus strand). VCF-style: chr19-33512672-T-C. GRCh37 (hg19) VCF-style: chr19-34003578-T-C.
Other names: c.122A>G, p.Gln41Arg (NM_001166056.2, NM_001166057.2); short protein forms Q41R.
Identifiers: ClinVar variation 3629327 (VCV003629327.2).

ClinVar aggregate classification (germline): Uncertain significance (1 of 4 stars; one submission).

gnomAD v4.1: 3 of 1,614,006 alleles (0.00019%); highest among the groups gnomAD compares: Non-Finnish European, 0.00017%; no homozygotes.

Submission:

Labcorp Genetics (formerly Invitae), Labcorp
Classification: Uncertain significance. Last evaluated: 2024-08-19. Review status: criteria provided, single submitter. Criteria: Invitae Variant Classification Sherloc (09022015). Collection method: clinical testing. Allele origin: germline.
Comment: This sequence change replaces glutamine, which is neutral and polar, with arginine, which is basic and polar, at codon 41 of the PEPD protein (p.Gln41Arg). This variant is not present in population databases (gnomAD no frequency). This variant has not been reported in the literature in individuals affected with PEPD-related conditions. An algorithm developed to predict the effect of missense changes on protein structure and function (PolyPhen-2) suggests that this variant is likely to be tolerated. In summary, the available evidence is currently insufficient to determine the role of this variant in disease. Therefore, it has been classified as a Variant of Uncertain Significance.